The following is an entry in ClinVar:

NM_024009.3(GJB3):c.572T>C (p.Met191Thr)

Gene: GJB3 (gap junction protein beta 3; plus strand). Cytogenetic location: 1p34.3.
Variant type: single nucleotide variant.
Coding change: c.572T>C on transcript NM_024009.3 (MANE Select); coding-DNA position 572, T replaced by C.
Protein change: p.Met191Thr; replaces methionine 191 with threonine.
Molecular consequence: missense variant.
Genome position (GRCh38, 1-based): chr1:34,785,334, T>C. VCF-style: chr1-34785334-T-C. GRCh37 (hg19) VCF-style: chr1-35250935-T-C.
Other names: c.572T>C, p.Met191Thr (NM_001005752.2); short protein forms M191T.
Identifiers: ClinVar variation 2836838 (VCV002836838.3), dbSNP rs1173387127, ClinGen allele CA339315768.

ClinVar aggregate classification (germline): Uncertain significance (1 of 4 stars; one submission).

Submission:

Labcorp Genetics (formerly Invitae), Labcorp
Classification: Uncertain significance. Last evaluated: 2023-02-14. Review status: criteria provided, single submitter. Criteria: Invitae Variant Classification Sherloc (09022015). Collection method: clinical testing. Allele origin: germline.
Comment: This sequence change replaces methionine, which is neutral and non-polar, with threonine, which is neutral and polar, at codon 191 of the GJB3 protein (p.Met191Thr). This variant is not present in population databases (gnomAD no frequency). This variant has not been reported in the literature in individuals affected with GJB3-related conditions. Algorithms developed to predict the effect of missense changes on protein structure and function (SIFT, PolyPhen-2, Align-GVGD) all suggest that this variant is likely to be disruptive. In summary, the available evidence is currently insufficient to determine the role of this variant in disease. Therefore, it has been classified as a Variant of Uncertain Significance.